The following is an entry in ClinVar:

NM_005477.3(HCN4):c.170C>T (p.Ser57Phe)

Gene: HCN4 (hyperpolarization activated cyclic nucleotide gated potassium channel 4; minus strand). Cytogenetic location: 15q24.1.
Variant type: single nucleotide variant.
Coding change: c.170C>T on transcript NM_005477.3 (MANE Select); coding-DNA position 170, C replaced by T.
Protein change: p.Ser57Phe; replaces serine 57 with phenylalanine.
Molecular consequence: missense variant.
Genome position (GRCh38, 1-based): chr15:73,368,101, G>A on the plus strand (C>T on the coding strand, the complement: HCN4 is on the minus strand). VCF-style: chr15-73368101-G-A. GRCh37 (hg19) VCF-style: chr15-73660442-G-A.
Other names: short protein forms S57F.
Identifiers: ClinVar variation 1778527 (VCV001778527.3), dbSNP rs1567802231, ClinGen allele CA393098816.

ClinVar aggregate classification (germline): Uncertain significance. Review status: criteria provided, multiple submitters, no conflicts (2 of 4 stars). 2 submissions from 2 submitters: Uncertain significance (2). Last evaluated 2025-11-24.

Conditions:
Cardiovascular phenotype. Identifiers: MedGen CN230736.
Brugada syndrome 8 (BRGDA8). Identifiers: Orphanet 130, MedGen C2751083, MONDO:0013148, OMIM 613123.

Allele frequency attached by ClinVar (database versions not stated): TOPMed below 0.00001; gnomAD exomes below 0.00001.
gnomAD v4.1: 1 of 1,498,026 alleles (0.000067%); highest among the groups gnomAD compares: Non-Finnish European, 0.000089%; no homozygotes.

Submissions (2):

Labcorp Genetics (formerly Invitae), Labcorp
Classification: Uncertain significance for Brugada syndrome 8. Last evaluated: 2025-11-24. Review status: criteria provided, single submitter. Criteria: Invitae Variant Classification Sherloc (09022015). Collection method: clinical testing. Allele origin: germline.
Comment: This sequence change replaces serine, which is neutral and polar, with phenylalanine, which is neutral and non-polar, at codon 57 of the HCN4 protein (p.Ser57Phe). The frequency data for this variant in the population databases is considered unreliable, as metrics indicate poor data quality at this position in the gnomAD database. This variant has not been reported in the literature in individuals affected with HCN4-related conditions. ClinVar contains an entry for this variant (Variation ID: 1778527). Invitae Evidence Modeling of protein sequence and biophysical properties (such as structural, functional, and spatial information, amino acid conservation, physicochemical variation, residue mobility, and thermodynamic stability) has been performed for this missense variant. However, the output from this modeling did not meet the statistical confidence thresholds required to predict the impact of this variant on HCN4 protein function. In summary, the available evidence is currently insufficient to determine the role of this variant in disease. Therefore, it has been classified as a Variant of Uncertain Significance.

Ambry Genetics
Classification: Uncertain significance for Cardiovascular phenotype. Last evaluated: 2022-05-20. Review status: criteria provided, single submitter. Criteria: Ambry Variant Classification Scheme 2023. Collection method: clinical testing. Allele origin: germline.
Comment: The p.S57F variant (also known as c.170C>T), located in coding exon 1 of the HCN4 gene, results from a C to T substitution at nucleotide position 170. The serine at codon 57 is replaced by phenylalanine, an amino acid with highly dissimilar properties. This amino acid position is conserved. In addition, the in silico prediction for this alteration is inconclusive. Since supporting evidence is limited at this time, the clinical significance of this alteration remains unclear.